The following is an entry in ClinVar:

ClinVar aggregate classification (germline): Uncertain significance (1 of 4 stars; one submission).

Submission:

Labcorp Genetics (formerly Invitae), Labcorp
Classification: Uncertain significance. Last evaluated: 2023-08-24. Review status: criteria provided, single submitter. Criteria: Invitae Variant Classification Sherloc (09022015). Collection method: clinical testing. Allele origin: germline.
Comment: This variant is not present in population databases (gnomAD no frequency). This sequence change replaces proline, which is neutral and non-polar, with threonine, which is neutral and polar, at codon 773 of the EPRS protein (p.Pro773Thr). In summary, the available evidence is currently insufficient to determine the role of this variant in disease. Therefore, it has been classified as a Variant of Uncertain Significance. Algorithms developed to predict the effect of missense changes on protein structure and function output the following: SIFT: "Not Available"; PolyPhen-2: "Benign"; Align-GVGD: "Not Available". The threonine amino acid residue is found in multiple mammalian species, which suggests that this missense change does not adversely affect protein function. ClinVar contains an entry for this variant (Variation ID: 1680952). This variant has not been reported in the literature in individuals affected with EPRS-related conditions.

NM_004446.3(EPRS1):c.2317C>A (p.Pro773Thr)

Gene: EPRS1 (glutamyl-prolyl-tRNA synthetase 1; minus strand). Cytogenetic location: 1q41.
Variant type: single nucleotide variant.
Coding change: c.2317C>A on transcript NM_004446.3 (MANE Select); coding-DNA position 2317, C replaced by A.
Protein change: p.Pro773Thr; replaces proline 773 with threonine.
Molecular consequence: missense variant.
Genome position (GRCh38, 1-based): chr1:219,997,207, G>T on the plus strand (C>A on the coding strand, the complement: EPRS1 is on the minus strand). VCF-style: chr1-219997207-G-T. GRCh37 (hg19) VCF-style: chr1-220170549-G-T.
Other names: short protein forms P773T.
Identifiers: ClinVar variation 1680952 (VCV001680952.8), dbSNP rs2102574270, ClinGen allele CA344647454.